The following is an entry in ClinVar:

NM_138713.4(NFAT5):c.1207G>A (p.Val403Ile)

Gene: NFAT5 (nuclear factor of activated T cells 5; plus strand). Cytogenetic location: 16q22.1.
Variant type: single nucleotide variant.
Coding change: c.1207G>A on transcript NM_138713.4 (MANE Select); coding-DNA position 1207, G replaced by A.
Protein change: p.Val403Ile; replaces valine 403 with isoleucine.
Molecular consequence: missense variant.
Genome position (GRCh38, 1-based): chr16:69,659,737, G>A. VCF-style: chr16-69659737-G-A. GRCh37 (hg19) VCF-style: chr16-69693640-G-A.
Other names: c.1207G>A, p.Val403Ile (NM_001113178.3); c.535G>A, p.Val179Ile (NM_001367709.1); c.1153G>A, p.Val385Ile (NM_006599.4); c.925G>A, p.Val309Ile (NM_138714.4, NM_173214.3, NM_173215.3); c.1207G>A (NM_138713.3); short protein forms V179I, V385I, V309I, V403I.
Identifiers: ClinVar variation 953489 (VCV000953489.10), dbSNP rs765182239, ClinGen allele CA8135498.

ClinVar aggregate classification (germline): Uncertain significance. Review status: criteria provided, multiple submitters, no conflicts (2 of 4 stars). 2 submissions from 2 submitters: Uncertain significance (2). Last evaluated 2024-11-26.

Conditions:
Immunodeficiency. Identifiers: MedGen C0021051, MONDO:0021094, HP:0002721.

Allele frequency attached by ClinVar (database versions not stated): ExAC 0.00001; gnomAD 0.00001; gnomAD exomes 0.00001; TOPMed 0.00001.
gnomAD v4.1: 9 of 1,613,076 alleles (0.00056%); highest among the groups gnomAD compares: African/African-American, 0.0027%; no homozygotes.

Submissions (2):

Ambry Genetics
Classification: Uncertain significance. Last evaluated: 2024-11-26. Review status: criteria provided, single submitter. Criteria: Ambry Variant Classification Scheme 2023. Collection method: clinical testing. Allele origin: germline.

Labcorp Genetics (formerly Invitae), Labcorp
Classification: Uncertain significance for Immunodeficiency. Last evaluated: 2023-10-22. Review status: criteria provided, single submitter. Criteria: Invitae Variant Classification Sherloc (09022015). Collection method: clinical testing. Allele origin: germline.
Comment: This sequence change replaces valine, which is neutral and non-polar, with isoleucine, which is neutral and non-polar, at codon 309 of the NFAT5 protein (p.Val309Ile). This variant is present in population databases (rs765182239, gnomAD 0.002%). This variant has not been reported in the literature in individuals affected with NFAT5-related conditions. ClinVar contains an entry for this variant (Variation ID: 953489). An algorithm developed to predict the effect of missense changes on protein structure and function (PolyPhen-2) suggests that this variant is likely to be tolerated. In summary, the available evidence is currently insufficient to determine the role of this variant in disease. Therefore, it has been classified as a Variant of Uncertain Significance.